The following is an entry in ClinVar:

NM_000179.3(MSH6):c.1292A>C (p.Lys431Thr)

Gene: MSH6 (mutS homolog 6; plus strand). Cytogenetic location: 2p16.3.
Variant type: single nucleotide variant.
Coding change: c.1292A>C on transcript NM_000179.3 (MANE Select); coding-DNA position 1292, A replaced by C.
Protein change: p.Lys431Thr; replaces lysine 431 with threonine.
Molecular consequence: missense variant.
Genome position (GRCh38, 1-based): chr2:47,799,275, A>C. VCF-style: chr2-47799275-A-C. GRCh37 (hg19) VCF-style: chr2-48026414-A-C.
Other names: c.902A>C, p.Lys301Thr (NM_001281492.2); c.386A>C, p.Lys129Thr (NM_001281493.2, NM_001281494.2, NM_001406811.1 and 6 more transcripts); c.1388A>C, p.Lys463Thr (NM_001406795.1, NM_001406802.1); c.1292A>C, p.Lys431Thr (NM_001406796.1, NM_001406798.1, NM_001406800.1 and 4 more transcripts); c.995A>C, p.Lys332Thr (NM_001406797.1, NM_001406801.1, NM_001406805.1 and 10 more transcripts); c.767A>C, p.Lys256Thr (NM_001406799.1, NM_001406806.1, NM_001406807.1); c.1214A>C, p.Lys405Thr (NM_001406804.1); c.1298A>C, p.Lys433Thr (NM_001406813.1); and 1 more; short protein forms K256T, K332T, K129T, K375T, K405T, K431T, K433T, K463T.
Identifiers: ClinVar variation 1769126 (VCV001769126.2), dbSNP rs1558661244, ClinGen allele CA346744190.

ClinVar aggregate classification (germline): Uncertain significance (1 of 4 stars; one submission).

Conditions:
Hereditary cancer-predisposing syndrome. Also called: Hereditary Cancer Syndrome; Hereditary neoplastic syndrome; Neoplastic Syndromes, Hereditary; Tumor predisposition. Identifiers: Orphanet 140162, MedGen C0027672, MeSH D009386, MONDO:0015356.

Submission:

Ambry Genetics
Classification: Uncertain significance for Hereditary cancer-predisposing syndrome. Last evaluated: 2019-08-06. Review status: criteria provided, single submitter. Criteria: Ambry Variant Classification Scheme 2023. Collection method: clinical testing. Allele origin: germline.
Comment: The p.K431T variant (also known as c.1292A>C), located in coding exon 4 of the MSH6 gene, results from an A to C substitution at nucleotide position 1292. The lysine at codon 431 is replaced by threonine, an amino acid with similar properties. This amino acid position is highly conserved in available vertebrate species. In addition, this alteration is predicted to be deleterious by in silico analysis. Since supporting evidence is limited at this time, the clinical significance of this alteration remains unclear.